The following is an entry in ClinVar:

NM_000135.4(FANCA):c.2014+1G>A

Gene: FANCA (FA complementation group A; minus strand). Cytogenetic location: 16q24.3.
Variant type: single nucleotide variant.
Coding change: c.2014+1G>A on transcript NM_000135.4 (MANE Select); the canonical splice donor site of the intron after coding-DNA position 2014, G replaced by A.
Molecular consequence: splice donor variant.
Genome position (GRCh38, 1-based): chr16:89,773,270, C>T on the plus strand (G>A on the coding strand, the complement: FANCA is on the minus strand). VCF-style: chr16-89773270-C-T. GRCh37 (hg19) VCF-style: chr16-89839678-C-T.
Other names: c.2014+1G>A (NM_001286167.3).
Identifiers: ClinVar variation 2767281 (VCV002767281.3), dbSNP rs1598116164, ClinGen allele CA397449453.

ClinVar aggregate classification (germline): Likely pathogenic (1 of 4 stars; one submission).

Conditions:
Fanconi anemia (FA). Also called: Fanconi's anemia. Identifiers: Orphanet 84, MedGen C0015625, MeSH D005199, MONDO:0019391.

Submission:

Labcorp Genetics (formerly Invitae), Labcorp
Classification: Likely pathogenic for Fanconi anemia. Last evaluated: 2023-10-18. Review status: criteria provided, single submitter. Criteria: Invitae Variant Classification Sherloc (09022015). Collection method: clinical testing. Allele origin: germline.
Comment: This sequence change affects a donor splice site in intron 22 of the FANCA gene. It is expected to disrupt RNA splicing. Variants that disrupt the donor or acceptor splice site typically lead to a loss of protein function (PMID: 16199547), and loss-of-function variants in FANCA are known to be pathogenic (PMID: 19367192). This variant is not present in population databases (gnomAD no frequency). Disruption of this splice site has been observed in individual(s) with Fanconi anemia (PMID: 19367192). Algorithms developed to predict the effect of sequence changes on RNA splicing suggest that this variant may disrupt the consensus splice site. In summary, the currently available evidence indicates that the variant is pathogenic, but additional data are needed to prove that conclusively. Therefore, this variant has been classified as Likely Pathogenic.

Literature cited by the submitters: PubMed 16199547; PubMed 19367192.